The following is an entry in ClinVar:

ClinVar aggregate classification (germline): Pathogenic. Review status: reviewed by expert panel (3 of 4 stars). 13 submissions from 13 submitters: Pathogenic (1). 12 of the submissions do not count toward it. Last evaluated 2025-04-16.

Conditions:
Autosomal recessive limb-girdle muscular dystrophy. Identifiers: Orphanet 102015, MedGen C2931907, MONDO:0015152.
Neuromuscular disease caused by qualitative or quantitative defects of dysferlin. Also called: Qualitative or quantitative defects of dysferlin; Dysferlinopathy. Identifiers: Orphanet 207073, MedGen C2931687, MONDO:0016145.
Autosomal recessive limb-girdle muscular dystrophy type 2B (LGMDR2). Also called: MUSCULAR DYSTROPHY, LIMB-GIRDLE, TYPE 3; Limb-Girdle Muscular Dystrophy Type 2B (LGMD2B); MUSCULAR DYSTROPHY, LIMB-GIRDLE, AUTOSOMAL RECESSIVE 2; Limb-girdle muscular dystrophy, type 2B. Identifiers: Orphanet 268, MedGen C1850889, MONDO:0009676, OMIM 253601.
Miyoshi muscular dystrophy 1 (MMD1). Identifiers: Orphanet 45448, MedGen C4551973, MONDO:0024545, OMIM 254130.
Distal myopathy with anterior tibial onset. Identifiers: Orphanet 178400, MedGen C1847532, MONDO:0011721, OMIM 606768.

Allele frequency attached by ClinVar (database versions not stated): TOPMed 0.00003; gnomAD 0.00001; gnomAD exomes 0.00002; ExAC 0.00002.
gnomAD v4.1: 28 of 1,614,006 alleles (0.0017%); highest among the groups gnomAD compares: Middle Eastern, 0.016%; no homozygotes.

Submissions (13):

ClinGen Limb Girdle Muscular Dystrophy Variant Curation Expert Panel, ClinGen
Classification: Pathogenic for Autosomal recessive limb-girdle muscular dystrophy. Last evaluated: 2025-04-16. Review status: reviewed by expert panel. Criteria: ClinGen LGMD VCEP ACMG Specifications DYSF V1.0.0. Collection method: curation. Allele origin: germline. Inheritance: Autosomal recessive inheritance.
Comment: The NM_003494.4: c.4756C>T p.(Arg1586Ter) variant in DYSF, which is also known as NM_001130987.2: c.4873C>T p.(Arg1625Ter), is a nonsense variant predicted to cause a premature stop codon in biologically relevant exon 43/55, leading to nonsense mediated decay in a gene in which loss of function is an established disease mechanism (PVS1). This variant has been reported in at least five patients with features consistent with LGMD (PMID: 36983702; 23641709; 23530687; 11468312), including in a homozygous state in one individual without reported familial consanguinity (0.5 pts, PMID: 11468312) and in trans with a likely pathogenic or pathogenic variant in two individuals (NM_003494.4: c.265C>T p.(Arg89Ter), 1.0 pt, PMID: 23641709; NM_003494.4: c.3113G>C p.(Arg1038Pro), 1.0 pt, PMID: 36983702) (PM3_Strong). At least one patient with this variant and a second presumed diagnostic variant in DYSF had a clinical diagnosis of LGMD (Miyoshi myopathy) and absent dysferlin protein expression in both skeletal muscle and blood monocytes, which is highly specific for DYSF-related LGMD (PP4_Strong; PMID: 36983702; 33610434). The filtering allele frequency of this variant is 0.0001061 in gnomAD v4.1.0 exomes (the upper threshold of the 95% CI of 4/86258 South Asian chromosomes), which is greater than the ClinGen LGMD VCEP threshold (≤0.0001) (PM2_Supporting not met). In summary, this variant meets the criteria to be classified as Pathogenic for autosomal recessive limb girdle muscular dystrophy based on the ACMG/AMP criteria applied, as specified by the ClinGen LGMD VCEP (LGMD VCEP specifications version 1.0.0; 04/16/2025): PVS1, PM3_Strong, PP4_Strong.

CeGaT Center for Human Genetics Tuebingen
Classification: Pathogenic. Last evaluated: 2026-04-01. Review status: criteria provided, single submitter. Criteria: CeGaT Center For Human Genetics Tuebingen Variant Classification Criteria Version 2. Collection method: clinical testing. Allele origin: germline. Affected: yes. Observed: 2 variant alleles. Not counted in ClinVar's aggregate classification.
Comment: DYSF: PVS1, PS4

Medical and Scientific Branch, Hong Kong Genome Institute
Classification: Pathogenic for Autosomal recessive limb-girdle muscular dystrophy type 2B. Last evaluated: 2026-01-26. Review status: criteria provided, single submitter. Criteria: ACMG Guidelines, 2015. Collection method: clinical testing. Allele origin: biparental. Affected: yes. Not counted in ClinVar's aggregate classification.

Labcorp Genetics (formerly Invitae), Labcorp
Classification: Pathogenic for Neuromuscular disease caused by qualitative or quantitative defects of dysferlin. Last evaluated: 2025-12-16. Review status: criteria provided, single submitter. Criteria: Invitae Variant Classification Sherloc (09022015). Collection method: clinical testing. Allele origin: germline. Not counted in ClinVar's aggregate classification.
Comment: This sequence change creates a premature translational stop signal (p.Arg1586*) in the DYSF gene. It is expected to result in an absent or disrupted protein product. Loss-of-function variants in DYSF are known to be pathogenic (PMID: 17698709, 20301480). This variant is present in population databases (rs398123789, gnomAD 0.006%). This premature translational stop signal has been observed in individual(s) with dysferlinopathy (PMID: 11468312, 23530687, 23641709, 27647186, 28600779). In at least one individual the data is consistent with being in trans (on the opposite chromosome) from a pathogenic variant. ClinVar contains an entry for this variant (Variation ID: 94330). For these reasons, this variant has been classified as Pathogenic.

Revvity Omics, Revvity
Classification: Pathogenic. Last evaluated: 2025-06-25. Review status: criteria provided, single submitter. Criteria: ACMG Guidelines, 2015. Collection method: clinical testing. Allele origin: germline. Not counted in ClinVar's aggregate classification.

Natera, Inc.
Classification: Pathogenic for Limb-girdle muscular dystrophy type 2B. Last evaluated: 2025-06-16. Review status: criteria provided, single submitter. Criteria: Natera Variant Classification Schema (03/2026). Collection method: clinical testing. Allele origin: germline. Not counted in ClinVar's aggregate classification.
Comment: The c.4756C>T variant in DYSF is a nonsense variant predicted to introduce a stop codon at amino acid 1586. This variant is expected to result in nonsense mediated decay, truncation, or a dysfunctional protein product. This variant is rare in the general population with a frequency below the threshold expected for the associated phenotype(s). This variant has been observed in one or more individuals affected with the associated recessive disease, as either homozygous or compound heterozygous with a second variant (PMID: 23641709). Given the available evidence, this variant is classified as Pathogenic.

Mayo Clinic Laboratories, Mayo Clinic
Classification: Pathogenic. Last evaluated: 2024-06-14. Review status: criteria provided, single submitter. Criteria: ACMG Guidelines, 2015. Collection method: clinical testing. Allele origin: germline. Observed: 1 variant allele. Not counted in ClinVar's aggregate classification.
Comment: PP4, PM2, PM3, PS4_moderate, PVS1

Kariminejad - Najmabadi Pathology & Genetics Center
Classification: Pathogenic for Distal myopathy with anterior tibial onset. Last evaluated: 2024-04-02. Review status: criteria provided, single submitter. Criteria: ACMG Guidelines, 2015. Collection method: clinical testing. Allele origin: germline. Inheritance: Autosomal recessive inheritance. Affected: yes. Not counted in ClinVar's aggregate classification.
Comment: PVS1,PM2,PP5_Moderate

Baylor Genetics
Classification: Pathogenic for Miyoshi muscular dystrophy 1. Last evaluated: 2024-03-20. Review status: criteria provided, single submitter. Criteria: ACMG Guidelines, 2015. Collection method: clinical testing. Allele origin: unknown. Not counted in ClinVar's aggregate classification.

Genomic Medicine Center of Excellence, King Faisal Specialist Hospital and Research Centre
Classification: Pathogenic for Autosomal recessive limb-girdle muscular dystrophy type 2B. Last evaluated: 2024-03-17. Review status: criteria provided, single submitter. Criteria: ACMG Guidelines, 2015. Collection method: research. Allele origin: germline. Not counted in ClinVar's aggregate classification.

GeneDx
Classification: Pathogenic. Last evaluated: 2022-02-28. Review status: criteria provided, single submitter. Criteria: GeneDx Variant Classification Process June 2021. Collection method: clinical testing. Allele origin: germline. Affected: yes. Not counted in ClinVar's aggregate classification.
Comment: Reported in patients with LGMD2B/MM in the published literature who also had another DYSF variant (Walter et al., 2003); Nonsense variant predicted to result in protein truncation or nonsense mediated decay in a gene for which loss-of-function is a known mechanism of disease; Not observed at significant frequency in large population cohorts (gnomAD); This variant is associated with the following publications: (PMID: 28600779, 18853459, 23530687, 23641709, 25525159, 27647186, 14673575, 11468312, 30919934, 32400077, 34465679, 31589614, 32528171, 33715265, 33610434)

Eurofins Ntd Llc (ga)
Classification: Pathogenic. Last evaluated: 2016-09-16. Review status: criteria provided, single submitter. Criteria: EGL Classification Definitions. Collection method: clinical testing. Allele origin: germline. Observed: 7 variant alleles, 5 heterozygotes, 2 homozygotes. Not counted in ClinVar's aggregate classification.

Counsyl
Classification: Pathogenic for Autosomal recessive limb-girdle muscular dystrophy type 2B. Last evaluated: 2017-09-07. Review status: no assertion criteria provided. Collection method: clinical testing. Allele origin: unknown. Not counted in ClinVar's aggregate classification.

Literature cited by the submitters: PubMed 17698709 (cited by Labcorp Genetics (formerly Invitae), Labcorp); PubMed 20301480 (cited by Labcorp Genetics (formerly Invitae), Labcorp); PubMed 11468312 (cited by Labcorp Genetics (formerly Invitae), Labcorp and Mayo Clinic Laboratories, Mayo Clinic); PubMed 23530687 (cited by Labcorp Genetics (formerly Invitae), Labcorp); PubMed 23641709 (cited by Labcorp Genetics (formerly Invitae), Labcorp and Natera, Inc.); PubMed 27647186 (cited by 3 submitters); PubMed 28600779 (cited by Labcorp Genetics (formerly Invitae), Labcorp); PubMed 32400077 (cited by Mayo Clinic Laboratories, Mayo Clinic).

NM_001130987.2(DYSF):c.4873C>T (p.Arg1625Ter)

Gene: DYSF (dysferlin; plus strand). Cytogenetic location: 2p13.2.
Variant type: single nucleotide variant.
Coding change: c.4873C>T on transcript NM_001130987.2 (MANE Select); coding-DNA position 4873, C replaced by T.
Protein change: p.Arg1625Ter; replaces arginine 1625 with a stop codon.
Molecular consequence: nonsense.
Genome position (GRCh38, 1-based): chr2:71,658,995, C>T. VCF-style: chr2-71658995-C-T. GRCh37 (hg19) VCF-style: chr2-71886125-C-T.
Other names: NM_001130987.2(DYSF):c.4873C>T; p.Arg1625Ter; c.4759C>T, p.Arg1587Ter (NM_001130455.2); c.4714C>T, p.Arg1572Ter (NM_001130976.2); c.4777C>T, p.Arg1593Ter (NM_001130977.2); c.4819C>T, p.Arg1607Ter (NM_001130978.2); c.4849C>T, p.Arg1617Ter (NM_001130979.2); c.4807C>T, p.Arg1603Ter (NM_001130980.2); and 7 more; short protein forms R1586*, R1607*, R1625*, R1572*, R1594*, R1603*, R1604*, R1608*.
Identifiers: ClinVar variation 94330 (VCV000094330.51), dbSNP rs398123789, ClinGen allele CA222174.